The following is an entry in ClinVar:

NM_003458.4(BSN):c.11044C>T (p.His3682Tyr)

Gene: BSN (bassoon presynaptic cytomatrix protein; plus strand). Cytogenetic location: 3p21.31.
Variant type: single nucleotide variant.
Coding change: c.11044C>T on transcript NM_003458.4 (MANE Select); coding-DNA position 11044, C replaced by T.
Protein change: p.His3682Tyr; replaces histidine 3682 with tyrosine.
Molecular consequence: missense variant.
Genome position (GRCh38, 1-based): chr3:49,663,202, C>T. VCF-style: chr3-49663202-C-T. GRCh37 (hg19) VCF-style: chr3-49700635-C-T.
Other names: short protein forms H3682Y.
Identifiers: ClinVar variation 3235727 (VCV003235727.1), dbSNP rs2052679428, ClinGen allele CA352865683.
Genomic context (GRCh38, chr3:49,663,202, plus strand): 5'-CCGGGACGGCGTGCTGCCAAACCACACGCTCGGGACCTGGGTCGCCATGAGGCCCGGCCC[C>T]ACTCTCAGCCCAGCTCTGCTCCAGCTATGCCGAAGAAGGGTCAGCCTGGGTATCCCAGCT-3'
Protein context (NP_003449.2, residues 3672-3692): RDLGRHEARP[His3682Tyr]SQPSSAPAMP

ClinVar aggregate classification (germline): Uncertain significance (1 of 4 stars; one submission).

Submission:

Greenwood Genetic Center Diagnostic Laboratories, Greenwood Genetic Center
Classification: Uncertain significance. Last evaluated: 2024-02-07. Review status: criteria provided, single submitter. Criteria: ACMG Guidelines, 2015. Collection method: clinical testing. Allele origin: germline. Affected: yes.
Comment: Gene of Uncertain Significance